The following is an entry in ClinVar:

NM_003937.3(KYNU):c.656T>C (p.Leu219Pro)

Gene: KYNU (kynureninase; plus strand). Cytogenetic location: 2q22.2.
Variant type: single nucleotide variant.
Coding change: c.656T>C on transcript NM_003937.3 (MANE Select); coding-DNA position 656, T replaced by C.
Protein change: p.Leu219Pro; replaces leucine 219 with proline.
Molecular consequence: missense variant.
Genome position (GRCh38, 1-based): chr2:142,960,697, T>C. VCF-style: chr2-142960697-T-C. GRCh37 (hg19) VCF-style: chr2-143718266-T-C.
Other names: c.656T>C, p.Leu219Pro (NM_001032998.2, NM_001199241.2); short protein forms L219P.
Identifiers: ClinVar variation 3371276 (VCV003371276.1).
Genomic context (GRCh38, chr2:142,960,697, plus strand): 5'-TAAGAATAGAGGATATCCTTGAAGTAATTGAGAAGGAAGGAGACTCAATTGCAGTGATCC[T>C]GTTCAGTGGGGTGCATTTTTACACTGGACAGCACTTTAATATTCCTGCCATCACAAAAGC-3'
Protein context (NP_003928.1, residues 209-229): EKEGDSIAVI[Leu219Pro]FSGVHFYTGQ

ClinVar aggregate classification (germline): Uncertain significance (1 of 4 stars; one submission).

Submission:

GeneDx
Classification: Uncertain significance. Last evaluated: 2024-04-10. Review status: criteria provided, single submitter. Criteria: GeneDx Variant Classification Process June 2021. Collection method: clinical testing. Allele origin: germline. Affected: yes.
Comment: Not observed at significant frequency in large population cohorts (gnomAD); In silico analysis supports that this missense variant has a deleterious effect on protein structure/function; Has not been previously published as pathogenic or benign to our knowledge